The following is an entry in ClinVar:

ClinVar aggregate classification (germline): Uncertain significance. Review status: criteria provided, multiple submitters, no conflicts (2 of 4 stars). 3 submissions from 3 submitters: Uncertain significance (3). Last evaluated 2025-02-17.

Conditions:
Progressive sclerosing poliodystrophy (MTDPS4A). Also called: NEURONAL DEGENERATION OF CHILDHOOD WITH LIVER DISEASE, PROGRESSIVE; ALPERS PROGRESSIVE INFANTILE POLIODYSTROPHY; Alpers Syndrome; Mitochondrial DNA depletion syndrome 4A (Alpers type); Mitochondrial DNA Depletion Syndrome 4A; Alpers-Huttenlocher Syndrome (AHS). Identifiers: Orphanet 726, MedGen C0205710, MONDO:0008758, OMIM 203700.

Submissions (3):

Labcorp Genetics (formerly Invitae), Labcorp
Classification: Uncertain significance for Progressive sclerosing poliodystrophy. Last evaluated: 2025-02-17. Review status: criteria provided, single submitter. Criteria: Invitae Variant Classification Sherloc (09022015). Collection method: clinical testing. Allele origin: germline.
Comment: This sequence change replaces proline, which is neutral and non-polar, with serine, which is neutral and polar, at codon 713 of the POLG protein (p.Pro713Ser). This variant is not present in population databases (gnomAD no frequency). This variant has not been reported in the literature in individuals affected with POLG-related conditions. ClinVar contains an entry for this variant (Variation ID: 1918550). Invitae Evidence Modeling of protein sequence and biophysical properties (such as structural, functional, and spatial information, amino acid conservation, physicochemical variation, residue mobility, and thermodynamic stability) indicates that this missense variant is not expected to disrupt POLG protein function with a negative predictive value of 95%. In summary, the available evidence is currently insufficient to determine the role of this variant in disease. Therefore, it has been classified as a Variant of Uncertain Significance.

CeGaT Center for Human Genetics Tuebingen
Classification: Uncertain significance. Last evaluated: 2024-09-01. Review status: criteria provided, single submitter. Criteria: CeGaT Center For Human Genetics Tuebingen Variant Classification Criteria Version 2. Collection method: clinical testing. Allele origin: germline. Affected: yes. Observed: 1 variant allele.
Comment: POLG: PM2

GeneDx
Classification: Uncertain significance. Last evaluated: 2024-06-04. Review status: criteria provided, single submitter. Criteria: GeneDx Variant Classification Process June 2021. Collection method: clinical testing. Allele origin: germline. Affected: yes.
Comment: In silico analysis indicates that this missense variant does not alter protein structure/function; Has not been previously published as pathogenic or benign to our knowledge

NM_002693.3(POLG):c.2137C>T (p.Pro713Ser)

Gene: POLG (DNA polymerase gamma, catalytic subunit; minus strand). Cytogenetic location: 15q26.1.
Variant type: single nucleotide variant.
Coding change: c.2137C>T on transcript NM_002693.3 (MANE Select); coding-DNA position 2137, C replaced by T.
Protein change: p.Pro713Ser; replaces proline 713 with serine.
Molecular consequence: missense variant.
Genome position (GRCh38, 1-based): chr15:89,323,835, G>A on the plus strand (C>T on the coding strand, the complement: POLG is on the minus strand). VCF-style: chr15-89323835-G-A. GRCh37 (hg19) VCF-style: chr15-89867066-G-A.
Other names: c.2137C>T, p.Pro713Ser (NM_001126131.2); short protein forms P713S.
Identifiers: ClinVar variation 1918550 (VCV001918550.19), dbSNP rs2055433353, ClinGen allele CA393757074.